The following is an entry in ClinVar:

NM_015466.4(PTPN23):c.2257G>A (p.Val753Met)

Gene: PTPN23 (protein tyrosine phosphatase non-receptor type 23; plus strand). Cytogenetic location: 3p21.31.
Variant type: single nucleotide variant.
Coding change: c.2257G>A on transcript NM_015466.4 (MANE Select); coding-DNA position 2257, G replaced by A.
Protein change: p.Val753Met; replaces valine 753 with methionine.
Molecular consequence: missense variant.
Genome position (GRCh38, 1-based): chr3:47,410,055, G>A. VCF-style: chr3-47410055-G-A. GRCh37 (hg19) VCF-style: chr3-47451545-G-A.
Other names: c.1879G>A, p.Val627Met (NM_001304482.2); c.2257G>A (NM_015466.2); short protein forms V753M, V627M.
Identifiers: ClinVar variation 1497244 (VCV001497244.6), dbSNP rs200140189, ClinGen allele CA2365994.

ClinVar aggregate classification (germline): Uncertain significance. Review status: criteria provided, multiple submitters, no conflicts (2 of 4 stars). 2 submissions from 2 submitters: Uncertain significance (2). Last evaluated 2025-04-08.

Conditions:
Inborn genetic diseases. Identifiers: MedGen C0950123, MeSH D030342.

Allele frequency attached by ClinVar (database versions not stated): gnomAD 0.00004 and 0.00005; TOPMed 0.00006; ExAC 0.00002; ESP Exome Variant Server 0.00008; gnomAD exomes 0.00005.
gnomAD v4.1: 110 of 1,611,562 alleles (0.0068%); highest among the groups gnomAD compares: African/African-American, 0.0094%; no homozygotes.

Submissions (2):

Ambry Genetics
Classification: Uncertain significance for Inborn genetic diseases. Last evaluated: 2025-04-08. Review status: criteria provided, single submitter. Criteria: Ambry Variant Classification Scheme 2023. Collection method: clinical testing. Allele origin: germline.

Labcorp Genetics (formerly Invitae), Labcorp
Classification: Uncertain significance. Last evaluated: 2022-09-27. Review status: criteria provided, single submitter. Criteria: Invitae Variant Classification Sherloc (09022015). Collection method: clinical testing. Allele origin: germline.
Comment: This sequence change replaces valine, which is neutral and non-polar, with methionine, which is neutral and non-polar, at codon 753 of the PTPN23 protein (p.Val753Met). This variant is present in population databases (rs200140189, gnomAD 0.01%). This variant has not been reported in the literature in individuals affected with PTPN23-related conditions. ClinVar contains an entry for this variant (Variation ID: 1497244). Algorithms developed to predict the effect of missense changes on protein structure and function output the following: SIFT: "Tolerated"; PolyPhen-2: "Not Available"; Align-GVGD: "Class C0". The methionine amino acid residue is found in multiple mammalian species, which suggests that this missense change does not adversely affect protein function. In summary, the available evidence is currently insufficient to determine the role of this variant in disease. Therefore, it has been classified as a Variant of Uncertain Significance.